The following is an entry in ClinVar:

ClinVar aggregate classification (germline): Uncertain significance (1 of 4 stars; one submission).

Submission:

GeneDx
Classification: Uncertain significance. Last evaluated: 2019-06-03. Review status: criteria provided, single submitter. Criteria: GeneDx Variant Classification Process June 2021. Collection method: clinical testing. Allele origin: germline. Affected: yes.
Comment: Not observed in large population cohorts (Lek et al., 2016); In silico analysis, which includes splice predictors and evolutionary conservation, supports that this variant does not alter protein structure/function; Has not been previously published as pathogenic or benign to our knowledge

NM_000088.4(COL1A1):c.1200+6T>C

Gene: COL1A1 (collagen type I alpha 1 chain; minus strand). Cytogenetic location: 17q21.33.
Variant type: single nucleotide variant.
Coding change: c.1200+6T>C on transcript NM_000088.4 (MANE Select); 6 bases into the intron after coding-DNA position 1200, T replaced by C.
Molecular consequence: intron variant.
Genome position (GRCh38, 1-based): chr17:50,195,428, A>G on the plus strand (T>C on the coding strand, the complement: COL1A1 is on the minus strand). VCF-style: chr17-50195428-A-G. GRCh37 (hg19) VCF-style: chr17-48272789-A-G.
Identifiers: ClinVar variation 1306144 (VCV001306144.2), dbSNP rs2144576638, ClinGen allele CA2573054486.